The following is an entry in ClinVar:

NM_004364.5(CEBPA):c.982G>A (p.Val328Met)

Gene: CEBPA (CCAAT enhancer binding protein alpha; minus strand). Cytogenetic location: 19q13.11.
Variant type: single nucleotide variant.
Coding change: c.982G>A on transcript NM_004364.5 (MANE Select); coding-DNA position 982, G replaced by A.
Protein change: p.Val328Met; replaces valine 328 with methionine.
Molecular consequence: missense variant.
Genome position (GRCh38, 1-based): chr19:33,301,433, C>T on the plus strand (G>A on the coding strand, the complement: CEBPA is on the minus strand). VCF-style: chr19-33301433-C-T. GRCh37 (hg19) VCF-style: chr19-33792339-C-T.
Other names: c.625G>A, p.Val209Met (NM_001285829.2); c.1087G>A, p.Val363Met (NM_001287424.2); c.940G>A, p.Val314Met (NM_001287435.2); short protein forms V209M, V314M, V363M, V328M.
Identifiers: ClinVar variation 2202450 (VCV002202450.5), dbSNP rs2145258514, ClinGen allele CA405273787.
Genomic context (GRCh38, chr19:33,301,433, plus strand): 5'-TCTCTGGCAGCTGGCGGAAGATGCCCCGCAGCGTGTCCAGTTCGCGGCTCAGCTGTTCCA[C>T]CCGCTTGCGCAGGCGGTCATTGTCACTGGTCAGCTCCAGCACCTTCTGCTGCGTCTCCAC-3'
Protein context (NP_004355.2, residues 318-338): TSDNDRLRKR[Val328Met]EQLSRELDTL

ClinVar aggregate classification (germline): Uncertain significance. Review status: criteria provided, multiple submitters, no conflicts (2 of 4 stars). 2 submissions from 2 submitters: Uncertain significance (2). Last evaluated 2025-08-19.

Conditions:
Inborn genetic diseases. Identifiers: MedGen C0950123, MeSH D030342.
Acute myeloid leukemia (AML). Also called: Acute myeloid leukemia, adult; AML adult; Acute non-lymphocytic leukemia; Acute granulocytic leukemia; Leukemia, acute myeloid, somatic; Leukemia, acute myelogenous, somatic. Identifiers: Orphanet 519, MedGen C0023467, MeSH D015470, MONDO:0018874, OMIM 601626, HP:0004808. Disease mechanism: Constitutively activated FLT3.

Submissions (2):

Ambry Genetics
Classification: Uncertain significance for Inborn genetic diseases. Last evaluated: 2025-08-19. Review status: criteria provided, single submitter. Criteria: Ambry Variant Classification Scheme 2023. Collection method: clinical testing. Allele origin: germline.
Comment: The p.V328M variant (also known as c.982G>A), located in coding exon 1 of the CEBPA gene, results from a G to A substitution at nucleotide position 982. The valine at codon 328 is replaced by methionine, an amino acid with highly similar properties. This amino acid position is conserved. In addition, the in silico prediction for this alteration is inconclusive. Based on the available evidence, the clinical significance of this variant remains unclear.

Labcorp Genetics (formerly Invitae), Labcorp
Classification: Uncertain significance for Acute myeloid leukemia. Last evaluated: 2023-02-18. Review status: criteria provided, single submitter. Criteria: Invitae Variant Classification Sherloc (09022015). Collection method: clinical testing. Allele origin: germline.
Comment: In summary, the available evidence is currently insufficient to determine the role of this variant in disease. Therefore, it has been classified as a Variant of Uncertain Significance. Advanced modeling of protein sequence and biophysical properties (such as structural, functional, and spatial information, amino acid conservation, physicochemical variation, residue mobility, and thermodynamic stability) performed at Invitae indicates that this missense variant is expected to disrupt CEBPA protein function. This variant has not been reported in the literature in individuals affected with CEBPA-related conditions. This variant is not present in population databases (gnomAD no frequency). This sequence change replaces valine, which is neutral and non-polar, with methionine, which is neutral and non-polar, at codon 328 of the CEBPA protein (p.Val328Met).